The following is an entry in ClinVar:

NM_003873.7(NRP1):c.1423C>A (p.Pro475Thr)

Gene: NRP1 (neuropilin 1; minus strand). Cytogenetic location: 10p11.22.
Variant type: single nucleotide variant.
Coding change: c.1423C>A on transcript NM_003873.7 (MANE Select); coding-DNA position 1423, C replaced by A.
Protein change: p.Pro475Thr; replaces proline 475 with threonine.
Molecular consequence: missense variant. On other transcripts: non-coding transcript variant (1).
Genome position (GRCh38, 1-based): chr10:33,213,577, G>T on the plus strand (C>A on the coding strand, the complement: NRP1 is on the minus strand). VCF-style: chr10-33213577-G-T. GRCh37 (hg19) VCF-style: chr10-33502505-G-T.
Other names: c.1423C>A, p.Pro475Thr (NM_001024628.3, NM_001024629.3, NM_001244972.2 and 2 more transcripts); short protein forms P475T.
Identifiers: ClinVar variation 5000858 (VCV005000858.1).

ClinVar aggregate classification (germline): Uncertain significance (1 of 4 stars; one submission).

Conditions:
NRP1-related disorder. Also called: NRP1-related condition.

Submission:

PreventionGenetics, part of Exact Sciences
Classification: Uncertain significance for NRP1-related condition. Last evaluated: 2025-04-29. Review status: criteria provided, single submitter. Criteria: ACMG Guidelines, 2015. Collection method: clinical testing. Allele origin: germline.
Comment: The NRP1 c.1423C>A variant is predicted to result in the amino acid substitution p.Pro475Thr. To our knowledge, this variant has not been reported in the literature or in a large population database (gnomAD), indicating this variant is rare. At this time, the clinical significance of this variant is uncertain due to the absence of conclusive functional and genetic evidence.